The following is an entry in ClinVar:

NM_001754.5(RUNX1):c.1071G>A (p.Pro357=)

Gene: RUNX1 (RUNX family transcription factor 1; minus strand). Cytogenetic location: 21q22.12.
Variant type: single nucleotide variant.
Coding change: c.1071G>A on transcript NM_001754.5 (MANE Select); coding-DNA position 1071, G replaced by A.
Protein change: p.Pro357=; no amino-acid change (proline 357 retained).
Molecular consequence: synonymous variant.
Genome position (GRCh38, 1-based): chr21:34,792,507, C>T on the plus strand (G>A on the coding strand, the complement: RUNX1 is on the minus strand). VCF-style: chr21-34792507-C-T. GRCh37 (hg19) VCF-style: chr21-36164804-C-T.
Other names: NM_001754.5(RUNX1):c.1071G>A; p.Pro357=; c.990G>A, p.Pro330= (NM_001001890.3).
Identifiers: ClinVar variation 2146447 (VCV002146447.6), dbSNP rs1470891103, ClinGen allele CA512341330.

ClinVar aggregate classification (germline): Likely benign. Review status: reviewed by expert panel (3 of 4 stars). 3 submissions from 3 submitters: Likely benign (1). 2 of the submissions do not count toward it. Last evaluated 2024-06-24.

Conditions:
Inborn genetic diseases. Identifiers: MedGen C0950123, MeSH D030342.
Hereditary thrombocytopenia and hematological cancer predisposition syndrome associated with RUNX1. Also called: RUNX1 Familial Platelet Disorder with Associated Myeloid Malignancies; Familial Platelet Disorder with Propensity to Acute Myelogenous Leukemia; Familial thrombocytopenia with propensity to acute myelogenous leukemia; PLATELET DISORDER, ASPIRIN-LIKE. Identifiers: Orphanet 71290, MedGen C1832388, MeSH C563324, MONDO:0100083, OMIM 601399.

Allele frequency attached by ClinVar (database versions not stated): gnomAD exomes below 0.00001; TOPMed 0.00001.
gnomAD v4.1: 3 of 1,600,564 alleles (0.00019%); highest among the groups gnomAD compares: East Asian, 0.0023%; no homozygotes.

Submissions (3):

ClinGen Myeloid Malignancy Variant Curation Expert Panel
Classification: Likely benign for Hereditary thrombocytopenia and hematological cancer predisposition syndrome associated with RUNX1. Last evaluated: 2024-06-24. Review status: reviewed by expert panel. Criteria: ClinGen MyeloMalig ACMG Specifications v2. Collection method: curation. Allele origin: germline. Inheritance: Autosomal dominant inheritance.
Comment: This synonymous variant has a SpliceAI Δ score of 0.00 (BP4). Evolutionary conservation prediction algorithms predict the site as not being conserved (PhyloP score -0.008 (< 2)) (BP7). In summary, this variant meets criteria to be classified as likely benign. ACMG/AMP criteria applied, as specified by the Myeloid Malignancy Variant Curation Expert Panel for RUNX1: BP4, BP7.

Ambry Genetics
Classification: Likely benign for Inborn genetic diseases. Last evaluated: 2025-03-28. Review status: criteria provided, single submitter. Criteria: Ambry Variant Classification Scheme 2023. Collection method: clinical testing. Allele origin: germline. Not counted in ClinVar's aggregate classification.

Labcorp Genetics (formerly Invitae), Labcorp
Classification: Likely benign for Hereditary thrombocytopenia and hematological cancer predisposition syndrome associated with RUNX1. Last evaluated: 2022-03-18. Review status: criteria provided, single submitter. Criteria: Invitae Variant Classification Sherloc (09022015). Collection method: clinical testing. Allele origin: germline. Not counted in ClinVar's aggregate classification.